The following is an entry in ClinVar:

ClinVar aggregate classification (germline): Uncertain significance. Review status: criteria provided, single submitter (1 of 4 stars). 2 submissions from 2 submitters: Uncertain significance (1). 1 of the submissions does not count toward it. Last evaluated 2024-02-20.

Conditions:
Mucopolysaccharidosis, MPS-III-B (MPS3B). Also called: N-ACETYL-ALPHA-D-GLUCOSAMINIDASE DEFICIENCY; NAGLU DEFICIENCY; SANFILIPPO SYNDROME B; MPS III B; MUCOPOLYSACCHARIDOSIS, TYPE IIIB; Mucopolysaccharidosis type IIIB (Sanfilippo B). Identifiers: Orphanet 79270, MedGen C0086648, MONDO:0009656, OMIM 252920.
Charcot-Marie-Tooth disease axonal type 2V. Also called: CHARCOT-MARIE-TOOTH NEUROPATHY, TYPE 2V; CHARCOT-MARIE-TOOTH DISEASE, AXONAL, AUTOSOMAL DOMINANT, TYPE 2V. Identifiers: Orphanet 447964, MedGen C5569050, MONDO:0014665, OMIM 616491.

Allele frequency attached by ClinVar (database versions not stated): gnomAD 0.00001; TOPMed 0.00001; gnomAD exomes below 0.00001.

Submissions (2):

Labcorp Genetics (formerly Invitae), Labcorp
Classification: Uncertain significance for Charcot-Marie-Tooth disease axonal type 2V; Mucopolysaccharidosis, MPS-III-B. Last evaluated: 2024-02-20. Review status: criteria provided, single submitter. Criteria: Invitae Variant Classification Sherloc (09022015). Collection method: clinical testing. Allele origin: germline.
Comment: This sequence change replaces proline, which is neutral and non-polar, with leucine, which is neutral and non-polar, at codon 240 of the NAGLU protein (p.Pro240Leu). This variant is present in population databases (no rsID available, gnomAD 0.0009%). This variant has not been reported in the literature in individuals affected with NAGLU-related conditions. ClinVar contains an entry for this variant (Variation ID: 2201554). Advanced modeling of protein sequence and biophysical properties (such as structural, functional, and spatial information, amino acid conservation, physicochemical variation, residue mobility, and thermodynamic stability) performed at Invitae indicates that this missense variant is expected to disrupt NAGLU protein function with a positive predictive value of 95%. In summary, the available evidence is currently insufficient to determine the role of this variant in disease. Therefore, it has been classified as a Variant of Uncertain Significance.

Natera, Inc.
Classification: Uncertain significance for Mucopolysaccharidosis type IIIB. Last evaluated: 2025-05-30. Review status: no assertion criteria provided. Collection method: clinical testing. Allele origin: germline. Not counted in ClinVar's aggregate classification.

NM_000263.4(NAGLU):c.719C>T (p.Pro240Leu)

Gene: NAGLU (N-acetyl-alpha-glucosaminidase; plus strand). Cytogenetic location: 17q21.2.
Variant type: single nucleotide variant.
Coding change: c.719C>T on transcript NM_000263.4 (MANE Select); coding-DNA position 719, C replaced by T.
Protein change: p.Pro240Leu; replaces proline 240 with leucine.
Molecular consequence: missense variant.
Genome position (GRCh38, 1-based): chr17:42,538,710, C>T. VCF-style: chr17-42538710-C-T. GRCh37 (hg19) VCF-style: chr17-40690728-C-T.
Other names: c.719C>T (NM_000263.3); short protein forms P240L.
Identifiers: ClinVar variation 2201554 (VCV002201554.5), dbSNP rs1221009492, ClinGen allele CA399598992.